The following is an entry in ClinVar:

NM_006015.6(ARID1A):c.4127C>T (p.Thr1376Ile)

Gene: ARID1A (AT-rich interaction domain 1A; plus strand). Cytogenetic location: 1p36.11.
Variant type: single nucleotide variant.
Coding change: c.4127C>T on transcript NM_006015.6 (MANE Select); coding-DNA position 4127, C replaced by T.
Protein change: p.Thr1376Ile; replaces threonine 1376 with isoleucine.
Molecular consequence: missense variant. On other transcripts: intron variant (1).
Genome position (GRCh38, 1-based): chr1:26,774,354, C>T. VCF-style: chr1-26774354-C-T. GRCh37 (hg19) VCF-style: chr1-27100845-C-T.
Other names: c.4101+456C>T (NM_139135.4); short protein forms T1376I.
Identifiers: ClinVar variation 3363541 (VCV003363541.1).

ClinVar aggregate classification (germline): Uncertain significance (1 of 4 stars; one submission).

Submission:

GeneDx
Classification: Uncertain significance. Last evaluated: 2023-10-24. Review status: criteria provided, single submitter. Criteria: GeneDx Variant Classification Process June 2021. Collection method: clinical testing. Allele origin: germline. Affected: yes.
Comment: Has not been previously published as pathogenic or benign to our knowledge; Not observed at significant frequency in large population cohorts (gnomAD); In silico analysis supports that this missense variant does not alter protein structure/function